The following is an entry in ClinVar:

NM_000525.4(KCNJ11):c.912C>T (p.Tyr304=)

Gene: KCNJ11 (potassium inwardly rectifying channel subfamily J member 11; minus strand). Cytogenetic location: 11p15.1.
Variant type: single nucleotide variant.
Coding change: c.912C>T on transcript NM_000525.4 (MANE Select); coding-DNA position 912, C replaced by T.
Protein change: p.Tyr304=; no amino-acid change (tyrosine 304 retained).
Molecular consequence: synonymous variant.
Genome position (GRCh38, 1-based): chr11:17,387,180, G>A on the plus strand (C>T on the coding strand, the complement: KCNJ11 is on the minus strand). VCF-style: chr11-17387180-G-A. GRCh37 (hg19) VCF-style: chr11-17408727-G-A.
Other names: c.651C>T, p.Tyr217= (NM_001166290.2, NM_001377296.1, NM_001377297.1).
Identifiers: ClinVar variation 799596 (VCV000799596.9), dbSNP rs372471215, ClinGen allele CA5902222.

ClinVar aggregate classification (germline): Conflicting classifications of pathogenicity. Review status: criteria provided, conflicting classifications (1 of 4 stars). 2 submissions from 2 submitters: Uncertain significance (1); Likely benign (1). Last evaluated 2024-02-07.

Conditions:
Maturity-onset diabetes of the young (MODY). Also called: Maturity onset diabetes mellitus in young. Identifiers: Orphanet 552, MedGen C0342276, MONDO:0018911, HP:0004904.

Allele frequency attached by ClinVar (database versions not stated): gnomAD 0.00003 and 0.00004; TOPMed 0.00004; ESP Exome Variant Server 0.00008.

Submissions (2):

Labcorp Genetics (formerly Invitae), Labcorp
Classification: Likely benign. Last evaluated: 2024-02-07. Review status: criteria provided, single submitter. Criteria: Invitae Variant Classification Sherloc (09022015). Collection method: clinical testing. Allele origin: germline.

Clinical Genomics, Uppaluri K&H Personalized Medicine Clinic
Classification: Uncertain significance for Maturity-onset diabetes of the young. Review status: criteria provided, single submitter. Criteria: K & H Uppaluri Personalized Medicine Clinic Variant Classification & Assertion Criteria_Updated V.1. Collection method: research. Allele origin: somatic. Inheritance: Autosomal dominant inheritance.
Comment: Mutations in KCNJ11 gene can cause decreased production and secretion of insulin. This can lead to MODY which may be responsive to oral sulfonylureas. It is also associated with Neonatal Diabetes. However, no sufficient evidence is found to ascertain the role of this particular variant (rs372471215) in MODY yet.

Literature cited by the submitters: PubMed 26448950 (cited by Clinical Genomics, Uppaluri K&H Personalized Medicine Clinic); PubMed 15580558 (cited by Clinical Genomics, Uppaluri K&H Personalized Medicine Clinic); PubMed 15718250 (cited by Clinical Genomics, Uppaluri K&H Personalized Medicine Clinic); PubMed 32935446 (cited by Clinical Genomics, Uppaluri K&H Personalized Medicine Clinic); PubMed 22701567 (cited by Clinical Genomics, Uppaluri K&H Personalized Medicine Clinic).